The following is an entry in ClinVar:

ClinVar aggregate classification (germline): Pathogenic (1 of 4 stars; one submission).

Submission:

CeGaT Center for Human Genetics Tuebingen
Classification: Pathogenic. Last evaluated: 2023-08-01. Review status: criteria provided, single submitter. Criteria: CeGaT Center For Human Genetics Tuebingen Variant Classification Criteria Version 2. Collection method: clinical testing. Allele origin: germline. Affected: yes. Observed: 1 variant allele.
Comment: NALCN: PVS1, PM2

NM_052867.4(NALCN):c.2831del (p.Phe944fs)

Gene: NALCN (sodium leak channel, non-selective; minus strand). Cytogenetic location: 13q33.1.
Variant type: Deletion.
Coding change: c.2831del on transcript NM_052867.4 (MANE Select); coding-DNA position 2831, one base deleted (T; older notation c.2831delT).
Protein change: p.Phe944fs; shifts the reading frame from phenylalanine 944.
Molecular consequence: frameshift variant.
Genome position (GRCh38, 1-based): chr13:101,104,353, A deleted on the plus strand (T on the coding strand, the reverse complement: NALCN is on the minus strand); the first of 5 consecutive A bases (chr13:101,104,353-101,104,357); deleting any one gives the same sequence. VCF-style (leftmost placement, unchanged base first): chr13-101104352-GA-G. GRCh37 (hg19) VCF-style: chr13-101756703-GA-G.
Other names: c.2918del, p.Phe973fs (NM_001350748.2); c.2831del, p.Phe944fs (NM_001350749.2); c.2744del, p.Phe915fs (NM_001350750.2, NM_001350751.2); short protein forms F915fs, F944fs, F973fs.
Identifiers: ClinVar variation 2578708 (VCV002578708.25), dbSNP rs1594211244, ClinGen allele CA2580617979.